The following is an entry in ClinVar:

NM_032638.5(GATA2):c.625G>A (p.Asp209Asn)

Gene: GATA2 (GATA binding protein 2; minus strand). Cytogenetic location: 3q21.3.
Variant type: single nucleotide variant.
Coding change: c.625G>A on transcript NM_032638.5 (MANE Select); coding-DNA position 625, G replaced by A.
Protein change: p.Asp209Asn; replaces aspartic acid 209 with asparagine.
Molecular consequence: missense variant.
Genome position (GRCh38, 1-based): chr3:128,485,973, C>T on the plus strand (G>A on the coding strand, the complement: GATA2 is on the minus strand). VCF-style: chr3-128485973-C-T. GRCh37 (hg19) VCF-style: chr3-128204816-C-T.
Other names: c.625G>A, p.Asp209Asn (NM_001145661.2, NM_001145662.1); short protein forms D209N.
Identifiers: ClinVar variation 539713 (VCV000539713.9), dbSNP rs998737902, ClinGen allele CA83371863.
Genomic context (GRCh38, chr3:128,485,973, plus strand): 5'-GGGGACTGCCACTTTCCATCTTCATGCTCTCCGTCAGTGACACCTGGTACTTGACGCCGT[C>T]CTTGTCCTCTCCTCGGGCTGCACTACCCCCCGCGGAAGATGAGGCTGGAGACGCAGCCCC-3'
Protein context (NP_116027.2, residues 199-219): GGSAARGEDK[Asp209Asn]GVKYQVSLTE

ClinVar aggregate classification (germline): Uncertain significance. Review status: criteria provided, multiple submitters, no conflicts (2 of 4 stars). 2 submissions from 2 submitters: Uncertain significance (2). Last evaluated 2026-08-17.

Conditions:
Inborn genetic diseases. Identifiers: MedGen C0950123, MeSH D030342.
Deafness-lymphedema-leukemia syndrome. Also called: Lymphedema, primary, with myelodysplasia; Emberger syndrome. Identifiers: Orphanet 3226, MedGen C3279664, MONDO:0013540, OMIM 614038.
Monocytopenia with susceptibility to infections. Also called: MONOCYTOPENIA AND MYCOBACTERIAL INFECTION SYNDROME; MONOCYTOPENIA WITH SUSCEPTIBILITY TO MYCOBACTERIAL, FUNGAL, AND PAPILLOMAVIRUS INFECTIONS AND MYELODYSPLASIA; COMBINED IMMUNODEFICIENCY WITH SUSCEPTIBILITY TO MYCOBACTERIAL, VIRAL, AND FUNGAL INFECTIONS; Dendritic cell, monocyte, B lymphocyte, and natural killer lymphocyte deficiency; IMMUNODEFICIENCY 21; GATA2 DEFICIENCY. Identifiers: Orphanet 228423, MedGen C3280030, MONDO:0013607, OMIM 614172.

Allele frequency attached by ClinVar (database versions not stated): gnomAD exomes below 0.00001; TOPMed 0.00001.
gnomAD v4.1: 1 of 1,614,238 alleles (0.000062%); highest among the groups gnomAD compares: Middle Eastern, 0.016%; no homozygotes.

Submissions (2):

Ambry Genetics
Classification: Uncertain significance for Inborn genetic diseases. Last evaluated: 2026-08-17. Review status: criteria provided, single submitter. Criteria: Ambry Variant Classification Scheme 2023. Collection method: clinical testing. Allele origin: germline.
Comment: The p.D209N variant (also known as c.625G>A), located in coding exon 2 of the GATA2 gene, results from a G to A substitution at nucleotide position 625. The aspartic acid at codon 209 is replaced by asparagine, an amino acid with highly similar properties. This amino acid position is not well conserved in available vertebrate species. In addition, this alteration is predicted to be tolerated by in silico analysis. Based on the available evidence, the clinical significance of this variant remains unclear.

Labcorp Genetics (formerly Invitae), Labcorp
Classification: Uncertain significance for Monocytopenia with susceptibility to infections; Deafness-lymphedema-leukemia syndrome. Last evaluated: 2022-04-13. Review status: criteria provided, single submitter. Criteria: Invitae Variant Classification Sherloc (09022015). Collection method: clinical testing. Allele origin: germline.
Comment: In summary, the available evidence is currently insufficient to determine the role of this variant in disease. Therefore, it has been classified as a Variant of Uncertain Significance. Advanced modeling of protein sequence and biophysical properties (such as structural, functional, and spatial information, amino acid conservation, physicochemical variation, residue mobility, and thermodynamic stability) performed at Invitae indicates that this missense variant is not expected to disrupt GATA2 protein function. ClinVar contains an entry for this variant (Variation ID: 539713). This variant has not been reported in the literature in individuals affected with GATA2-related conditions. This variant is present in population databases (no rsID available, gnomAD 0.0009%). This sequence change replaces aspartic acid, which is acidic and polar, with asparagine, which is neutral and polar, at codon 209 of the GATA2 protein (p.Asp209Asn).